The following is an entry in ClinVar:

ClinVar aggregate classification (germline): Uncertain significance (1 of 4 stars; one submission).

Conditions:
Early Myoclonic Encephalopathy. Identifiers: MedGen C0270855.

Submission:

Labcorp Genetics (formerly Invitae), Labcorp
Classification: Uncertain significance for Early Myoclonic Encephalopathy. Last evaluated: 2024-11-16. Review status: criteria provided, single submitter. Criteria: Invitae Variant Classification Sherloc (09022015). Collection method: clinical testing. Allele origin: germline.
Comment: This sequence change replaces aspartic acid, which is acidic and polar, with asparagine, which is neutral and polar, at codon 116 of the KCND2 protein (p.Asp116Asn). This variant is not present in population databases (gnomAD no frequency). This variant has not been reported in the literature in individuals affected with KCND2-related conditions. Invitae Evidence Modeling of protein sequence and biophysical properties (such as structural, functional, and spatial information, amino acid conservation, physicochemical variation, residue mobility, and thermodynamic stability) has been performed for this missense variant. However, the output from this modeling did not meet the statistical confidence thresholds required to predict the impact of this variant on KCND2 protein function. In summary, the available evidence is currently insufficient to determine the role of this variant in disease. Therefore, it has been classified as a Variant of Uncertain Significance.

NM_012281.3(KCND2):c.346G>A (p.Asp116Asn)

Gene: KCND2 (potassium voltage-gated channel subfamily D member 2; plus strand). Cytogenetic location: 7q31.31.
Variant type: single nucleotide variant.
Coding change: c.346G>A on transcript NM_012281.3 (MANE Select); coding-DNA position 346, G replaced by A.
Protein change: p.Asp116Asn; replaces aspartic acid 116 with asparagine.
Molecular consequence: missense variant.
Genome position (GRCh38, 1-based): chr7:120,274,978, G>A. VCF-style: chr7-120274978-G-A. GRCh37 (hg19) VCF-style: chr7-119915032-G-A.
Other names: short protein forms D116N.
Identifiers: ClinVar variation 3721211 (VCV003721211.2).